The following is an entry in ClinVar:

NM_176869.3(PPA2):c.752A>T (p.Gln251Leu)

Gene: PPA2 (inorganic pyrophosphatase 2; minus strand). Cytogenetic location: 4q24.
Variant type: single nucleotide variant.
Coding change: c.752A>T on transcript NM_176869.3 (MANE Select); coding-DNA position 752, A replaced by T.
Protein change: p.Gln251Leu; replaces glutamine 251 with leucine.
Molecular consequence: missense variant.
Genome position (GRCh38, 1-based): chr4:105,399,068, T>A on the plus strand (A>T on the coding strand, the complement: PPA2 is on the minus strand). VCF-style: chr4-105399068-T-A. GRCh37 (hg19) VCF-style: chr4-106320225-T-A.
Other names: c.752A>T (NM_176869.2); c.665A>T, p.Gln222Leu (NM_006903.4); c.446A>T, p.Gln149Leu (NM_176866.2); c.254A>T, p.Gln85Leu (NM_176867.3); short protein forms Q251L, Q85L, Q149L, Q222L.
Identifiers: ClinVar variation 1443876 (VCV001443876.8), dbSNP rs148930323, ClinGen allele CA3032440.

ClinVar aggregate classification (germline): Conflicting classifications of pathogenicity. Review status: criteria provided, conflicting classifications (1 of 4 stars). 4 submissions from 4 submitters: Uncertain significance (3); Likely benign (1). Last evaluated 2026-07-01.

Conditions:
Inborn genetic diseases. Identifiers: MedGen C0950123, MeSH D030342.

Allele frequency attached by ClinVar (database versions not stated): gnomAD 0.00005 and 0.00006; TOPMed 0.00006; ExAC 0.00007; ESP Exome Variant Server 0.00008; gnomAD exomes 0.00009; 1000 Genomes Project 0.00020; 1000 Genomes Project 30x 0.00031.
gnomAD v4.1: 81 of 1,608,426 alleles (0.005%); highest among the groups gnomAD compares: Middle Eastern, 0.05%; no homozygotes.

Submissions (4):

CeGaT Center for Human Genetics Tuebingen
Classification: Likely benign. Last evaluated: 2026-07-01. Review status: criteria provided, single submitter. Criteria: CeGaT Center For Human Genetics Tuebingen Variant Classification Criteria Version 2. Collection method: clinical testing. Allele origin: germline. Affected: yes. Observed: 1 variant allele.
Comment: PPA2: BP4

GeneDx
Classification: Uncertain significance. Last evaluated: 2026-04-12. Review status: criteria provided, single submitter. Criteria: GeneDx Variant Classification Process June 2021. Collection method: clinical testing. Allele origin: germline.
Comment: In silico analysis supports that this missense variant has a deleterious effect on protein structure/function; Has not been previously published as pathogenic or benign to our knowledge

Labcorp Genetics (formerly Invitae), Labcorp
Classification: Uncertain significance. Last evaluated: 2024-11-11. Review status: criteria provided, single submitter. Criteria: Invitae Variant Classification Sherloc (09022015). Collection method: clinical testing. Allele origin: germline.
Comment: This sequence change replaces glutamine, which is neutral and polar, with leucine, which is neutral and non-polar, at codon 251 of the PPA2 protein (p.Gln251Leu). This variant is present in population databases (rs148930323, gnomAD 0.02%). This variant has not been reported in the literature in individuals affected with PPA2-related conditions. ClinVar contains an entry for this variant (Variation ID: 1443876). Invitae Evidence Modeling of protein sequence and biophysical properties (such as structural, functional, and spatial information, amino acid conservation, physicochemical variation, residue mobility, and thermodynamic stability) indicates that this missense variant is not expected to disrupt PPA2 protein function with a negative predictive value of 95%. In summary, the available evidence is currently insufficient to determine the role of this variant in disease. Therefore, it has been classified as a Variant of Uncertain Significance.

Ambry Genetics
Classification: Uncertain significance for Inborn genetic diseases. Last evaluated: 2021-08-13. Review status: criteria provided, single submitter. Criteria: Ambry Variant Classification Scheme 2023. Collection method: clinical testing. Allele origin: germline.